The following is an entry in ClinVar:

NM_004821.3(HAND1):c.454A>G (p.Lys152Glu)

Gene: HAND1 (heart and neural crest derivatives expressed 1; minus strand). Cytogenetic location: 5q33.2.
Variant type: single nucleotide variant.
Coding change: c.454A>G on transcript NM_004821.3 (MANE Select); coding-DNA position 454, A replaced by G.
Protein change: p.Lys152Glu; replaces lysine 152 with glutamic acid.
Molecular consequence: missense variant.
Genome position (GRCh38, 1-based): chr5:154,477,555, T>C on the plus strand (A>G on the coding strand, the complement: HAND1 is on the minus strand). VCF-style: chr5-154477555-T-C. GRCh37 (hg19) VCF-style: chr5-153857115-T-C.
Other names: short protein forms K152E.
Identifiers: ClinVar variation 1509887 (VCV001509887.8), dbSNP rs762375465, ClinGen allele CA3526556.

ClinVar aggregate classification (germline): Uncertain significance (1 of 4 stars; one submission).

Conditions:
Hypoplastic left heart syndrome. Also called: Hypoplastic left ventricle; Hypoplastic left heart. Identifiers: Orphanet 2248, MedGen C0152101, MONDO:0004933, HP:0004383.

Allele frequency attached by ClinVar (database versions not stated): gnomAD exomes 0.00001 and 0.00002; ExAC 0.00002; gnomAD 0.00009 and 0.00010; TOPMed 0.00010.

Submission:

Labcorp Genetics (formerly Invitae), Labcorp
Classification: Uncertain significance for Hypoplastic left heart syndrome. Last evaluated: 2025-12-01. Review status: criteria provided, single submitter. Criteria: Invitae Variant Classification Sherloc (09022015). Collection method: clinical testing. Allele origin: germline.
Comment: This sequence change replaces lysine, which is basic and polar, with glutamic acid, which is acidic and polar, at codon 152 of the HAND1 protein (p.Lys152Glu). This variant is present in population databases (rs762375465, gnomAD 0.03%). This variant has not been reported in the literature in individuals affected with HAND1-related conditions. ClinVar contains an entry for this variant (Variation ID: 1509887). An algorithm developed to predict the effect of missense changes on protein structure and function (PolyPhen-2) suggests that this variant is likely to be tolerated. In summary, the available evidence is currently insufficient to determine the role of this variant in disease. Therefore, it has been classified as a Variant of Uncertain Significance.